The following is an entry in ClinVar:

ClinVar aggregate classification (germline): Conflicting classifications of pathogenicity. Review status: criteria provided, conflicting classifications (1 of 4 stars). 6 submissions from 6 submitters: Uncertain significance (2); Benign (1); Likely benign (3). Last evaluated 2026-04-01.

Allele frequency attached by ClinVar (database versions not stated): ESP Exome Variant Server 0.00071; ExAC 0.00079; gnomAD exomes 0.00084 and 0.00123; gnomAD 0.00092 and 0.00094; TOPMed 0.00103.

Submissions (6):

CeGaT Center for Human Genetics Tuebingen
Classification: Likely benign. Last evaluated: 2026-04-01. Review status: criteria provided, single submitter. Criteria: CeGaT Center For Human Genetics Tuebingen Variant Classification Criteria Version 2. Collection method: clinical testing. Allele origin: germline. Affected: yes. Observed: 1 variant allele.
Comment: HS6ST1: BS1

Labcorp Genetics (formerly Invitae), Labcorp
Classification: Uncertain significance. Last evaluated: 2025-09-03. Review status: criteria provided, single submitter. Criteria: Invitae Variant Classification Sherloc (09022015). Collection method: clinical testing. Allele origin: germline.
Comment: This sequence change replaces serine, which is neutral and polar, with asparagine, which is neutral and polar, at codon 374 of the HS6ST1 protein (p.Ser374Asn). This variant is present in population databases (rs202072039, gnomAD 0.1%), and has an allele count higher than expected for a pathogenic variant. This missense change has been observed in individual(s) with clinical features of HS6ST1-related conditions (PMID: 32634216, 36268624). ClinVar contains an entry for this variant (Variation ID: 252635). Invitae Evidence Modeling of protein sequence and biophysical properties (such as structural, functional, and spatial information, amino acid conservation, physicochemical variation, residue mobility, and thermodynamic stability) indicates that this missense variant is not expected to disrupt HS6ST1 protein function with a negative predictive value of 80%. In summary, the available evidence is currently insufficient to determine the role of this variant in disease. Therefore, it has been classified as a Variant of Uncertain Significance.

Women's Health and Genetics/Laboratory Corporation of America, LabCorp
Classification: Uncertain significance. Last evaluated: 2023-02-27. Review status: criteria provided, single submitter. Criteria: LabCorp Variant Classification Summary - May 2015. Collection method: clinical testing. Allele origin: germline.
Comment: Variant summary: HS6ST1 c.1121G>A (p.Ser374Asn) results in a conservative amino acid change in the encoded protein sequence. Five of five in-silico tools predict a benign effect of the variant on protein function. The variant allele was found at a frequency of 0.00084 in 247676 control chromosomes (i.e., 209 carriers; gnomAD v2.1 Exomes dataset). The available data on variant occurrences in the general population are insufficient to allow clear conclusions about variant significance. c.1121G>A has been reported in the literature in individuals affected with demyelinating neuropathy and a severe motor disability (e.g., Antona_2020), premature ovarian insufficiency (e.g., Jaillard_2020), or Kallmann syndrome (e.g., Dwyer_2022), however without strong evidence for causality. These reports do not provide conclusions about association of the variant with Hypogonadotropic Hypogonadism 15 With Or Without Anosmia. To our knowledge, no experimental evidence demonstrating an impact on protein function has been reported. Three clinical diagnostic laboratories have submitted clinical-significance assessments for this variant to ClinVar after 2014 with conflicting assessments, classifying the variant as uncertain significance (n = 1), likely benign (n = 1), and benign (n = 1). Based on the evidence outlined above, the variant was classified as VUS-possibly benign.

GeneDx
Classification: Likely benign. Last evaluated: 2020-09-16. Review status: criteria provided, single submitter. Criteria: GeneDx Variant Classification Process June 2021. Collection method: clinical testing. Allele origin: germline. Affected: yes.

Genomic Diagnostic Laboratory, Division of Genomic Diagnostics, Children's Hospital of Philadelphia
Classification: Benign. Last evaluated: 2015-07-30. Review status: criteria provided, single submitter. Criteria: DGD Variant Analysis Guidelines. Collection method: clinical testing. Allele origin: unknown.

Breakthrough Genomics
Classification: Likely benign. Review status: criteria provided, single submitter. Criteria: ACMG Guidelines, 2015. Collection method: not provided. Allele origin: germline. Inheritance: Autosomal dominant inheritance. Affected: yes.

Literature cited by the submitters: PubMed 32634216 (cited by Labcorp Genetics (formerly Invitae), Labcorp and Women's Health and Genetics/Laboratory Corporation of America, LabCorp); PubMed 36268624 (cited by Labcorp Genetics (formerly Invitae), Labcorp and Women's Health and Genetics/Laboratory Corporation of America, LabCorp); PubMed 33076433 (cited by Women's Health and Genetics/Laboratory Corporation of America, LabCorp).

NM_004807.3(HS6ST1):c.1121G>A (p.Ser374Asn)

Gene: HS6ST1 (heparan sulfate 6-O-sulfotransferase 1; minus strand). Cytogenetic location: 2q14.3.
Variant type: single nucleotide variant.
Coding change: c.1121G>A on transcript NM_004807.3 (MANE Select); coding-DNA position 1121, G replaced by A.
Protein change: p.Ser374Asn; replaces serine 374 with asparagine.
Molecular consequence: missense variant.
Genome position (GRCh38, 1-based): chr2:128,268,277, C>T on the plus strand (G>A on the coding strand, the complement: HS6ST1 is on the minus strand). VCF-style: chr2-128268277-C-T. GRCh37 (hg19) VCF-style: chr2-129025851-C-T.
Other names: short protein forms S374N.
Identifiers: ClinVar variation 252635 (VCV000252635.13), dbSNP rs61732021, ClinGen allele CA1867474.
Genomic context (GRCh38, chr2:128,268,277, plus strand): 5'-TCGTCGGCATCCTCCCGCGGCAGTGCCTCCTTGGCCCGGTGCAGCAGACGCTCCTCGCGG[C>T]TCCTCAGGCGCTGCTCCCTGCGCTCCAGCTGCCGCTTGTACTGGTAGCGCTGCTGGAAGA-3'
Protein context (NP_004798.3, residues 364-384): QLERREQRLR[Ser374Asn]REERLLHRAK